The following is an entry in ClinVar:

ClinVar aggregate classification (germline): Pathogenic (1 of 4 stars; one submission).

Submission:

Labcorp Genetics (formerly Invitae), Labcorp
Classification: Pathogenic. Last evaluated: 2022-07-25. Review status: criteria provided, single submitter. Criteria: Invitae Variant Classification Sherloc (09022015). Collection method: clinical testing. Allele origin: germline.
Comment: This sequence change creates a premature translational stop signal (p.Leu197Phefs*2) in the MSH3 gene. It is expected to result in an absent or disrupted protein product. Loss-of-function variants in MSH3 are known to be pathogenic (PMID: 27476653). This variant is not present in population databases (gnomAD no frequency). This variant has not been reported in the literature in individuals affected with MSH3-related conditions. For these reasons, this variant has been classified as Pathogenic.

Literature cited by the submitters: PubMed 27476653.

NM_002439.5(MSH3):c.588_589del (p.Leu197fs)

Gene: MSH3 (mutS homolog 3; plus strand). Cytogenetic location: 5q14.1.
Variant type: Microsatellite.
Coding change: c.588_589del on transcript NM_002439.5 (MANE Select); coding-DNA positions 588 to 589, 2 bases deleted (AC; older notation c.588_589delAC).
Protein change: p.Leu197fs; shifts the reading frame from leucine 197.
Molecular consequence: frameshift variant.
Genome position (GRCh38, 1-based): chr5:80,670,105-80,670,106, AC deleted; deleting any 2 consecutive bases within chr5:80,670,103-80,670,106 gives the same sequence; the c. name uses the placement nearest the transcript's 3' end. VCF-style (leftmost placement, unchanged base first): chr5-80670102-AAC-A. GRCh37 (hg19) VCF-style: chr5-79965921-AAC-A.
Other names: short protein forms L197fs.
Identifiers: ClinVar variation 2019691 (VCV002019691.4), dbSNP rs2546721007, ClinGen allele CA2580613576.
Genomic context (GRCh38, chr5:80,670,102, plus strand): 5'-GAACTTATTATTGTGGTTAATATTTTTAAAACTTTATACATCTTTTGGTTGCCAGGACAC[AAC>A]ACTTTTTGATCTCAGTCAGTTTGGATCATCAAATACAAGTCATGAAAATTTACAGAAAAC-3'